The following is an entry in ClinVar:

NM_000138.5(FBN1):c.793A>T (p.Thr265Ser)

Gene: FBN1 (fibrillin 1; minus strand). Cytogenetic location: 15q21.1.
Variant type: single nucleotide variant.
Coding change: c.793A>T on transcript NM_000138.5 (MANE Select); coding-DNA position 793, A replaced by T.
Protein change: p.Thr265Ser; replaces threonine 265 with serine.
Molecular consequence: missense variant.
Genome position (GRCh38, 1-based): chr15:48,534,149, T>A on the plus strand (A>T on the coding strand, the complement: FBN1 is on the minus strand). VCF-style: chr15-48534149-T-A. GRCh37 (hg19) VCF-style: chr15-48826346-T-A.
Other names: short protein forms T265S.
Identifiers: ClinVar variation 527175 (VCV000527175.11), dbSNP rs982468949, ClinGen allele CA269573088.

ClinVar aggregate classification (germline): Uncertain significance. Review status: criteria provided, multiple submitters, no conflicts (2 of 4 stars). 3 submissions from 3 submitters: Uncertain significance (3). Last evaluated 2024-08-06.

Conditions:
MASS syndrome (OCTD). Also called: OVERLAP CONNECTIVE TISSUE DISEASE; MASS PHENOTYPE. Identifiers: MedGen C1858556, MONDO:0011431, OMIM 604308.
Progeroid and marfanoid aspect-lipodystrophy syndrome. Also called: MARFANOID-PROGEROID SYNDROME; MARFAN-PROGEROID-LIPODYSTROPHY SYNDROME; Marfan lipodystrophy syndrome; MARFANOID-PROGEROID-LIPODYSTROPHY SYNDROME. Identifiers: Orphanet 300382, MedGen C4310796, MONDO:0014831, OMIM 616914.
Ectopia lentis 1, isolated, autosomal dominant (ECTOL1). Identifiers: Orphanet 1885, MedGen C3541518, MONDO:0007514, OMIM 129600.
Weill-Marchesani syndrome 2, dominant. Also called: Weill-Marchesani Syndrome, Autosomal Dominant; FBN1-Related Weill-Marchesani Syndrome. Identifiers: Orphanet 2084, MedGen C1869115, MONDO:0012013, OMIM 608328.
Acromicric dysplasia (ACMICD). Also called: Acromicric skeletal dysplasia. Identifiers: Orphanet 969, MedGen C0265287, MONDO:0007055, OMIM 102370.
Geleophysic dysplasia 2 (GPHYSD2). Identifiers: Orphanet 2623, MedGen C3280054, MONDO:0013612, OMIM 614185.
Stiff skin syndrome (SSKS). Identifiers: Orphanet 2833, MedGen C1861456, MONDO:0008492, OMIM 184900.
Marfan syndrome (MFS). Also called: Marfan syndrome type 1; Marfan syndrome, classic; Marfan's syndrome; FBN1-Related Marfan Syndrome; MARFAN SYNDROME, TYPE I. Identifiers: Orphanet 284963, Orphanet 558, MedGen C0024796, MONDO:0007947, OMIM 154700.
Familial thoracic aortic aneurysm and aortic dissection (TAAD). Also called: Thoracic aortic aneurysms and dissections. Identifiers: Orphanet 91387, MedGen C4707243, MONDO:0019625.

Allele frequency attached by ClinVar (database versions not stated): gnomAD exomes 0.00002.
gnomAD v4.1: 35 of 1,613,770 alleles (0.0022%); highest among the groups gnomAD compares: Non-Finnish European, 0.0029%; no homozygotes.

Submissions (3):

All of Us Research Program, National Institutes of Health
Classification: Uncertain significance for Marfan syndrome. Last evaluated: 2024-08-06. Review status: criteria provided, single submitter. Criteria: ACMG Guidelines, 2015. Collection method: clinical testing. Allele origin: germline. Inheritance: Autosomal dominant inheritance. Observed: 1 variant allele, 1 heterozygote.
Comment: This study involves interpretation of variants in research participants for the purpose of population health screening. Participant phenotype was not available at the time of variant classification. Additional details can be found in publication PMID: 35346344, PMCID: PMC8962531

Labcorp Genetics (formerly Invitae), Labcorp
Classification: Uncertain significance for Marfan syndrome; Familial thoracic aortic aneurysm and aortic dissection. Last evaluated: 2023-05-11. Review status: criteria provided, single submitter. Criteria: Invitae Variant Classification Sherloc (09022015). Collection method: clinical testing. Allele origin: germline.
Comment: In summary, the available evidence is currently insufficient to determine the role of this variant in disease. Therefore, it has been classified as a Variant of Uncertain Significance. Advanced modeling of protein sequence and biophysical properties (such as structural, functional, and spatial information, amino acid conservation, physicochemical variation, residue mobility, and thermodynamic stability) performed at Invitae indicates that this missense variant is expected to disrupt FBN1 protein function. ClinVar contains an entry for this variant (Variation ID: 527175). This variant has not been reported in the literature in individuals affected with FBN1-related conditions. This variant is not present in population databases (gnomAD no frequency). This sequence change replaces threonine, which is neutral and polar, with serine, which is neutral and polar, at codon 265 of the FBN1 protein (p.Thr265Ser).

Fulgent Genetics
Classification: Uncertain significance for Acromicric dysplasia; Ectopia lentis 1, isolated, autosomal dominant; Marfan syndrome; Stiff skin syndrome; MASS syndrome; Weill-Marchesani syndrome 2, dominant; Geleophysic dysplasia 2; Progeroid and marfanoid aspect-lipodystrophy syndrome. Last evaluated: 2018-10-31. Review status: criteria provided, single submitter. Criteria: ACMG Guidelines, 2015. Collection method: clinical testing. Allele origin: unknown.